The following is an entry in ClinVar:

NM_177438.3(DICER1):c.1852C>T (p.Pro618Ser)

Gene: DICER1 (dicer 1, ribonuclease III; minus strand). Cytogenetic location: 14q32.13.
Variant type: single nucleotide variant.
Coding change: c.1852C>T on transcript NM_177438.3 (MANE Select); coding-DNA position 1852, C replaced by T.
Protein change: p.Pro618Ser; replaces proline 618 with serine.
Molecular consequence: missense variant.
Genome position (GRCh38, 1-based): chr14:95,115,722, G>A on the plus strand (C>T on the coding strand, the complement: DICER1 is on the minus strand). VCF-style: chr14-95115722-G-A. GRCh37 (hg19) VCF-style: chr14-95582059-G-A.
Other names: c.1852C>T, p.Pro618Ser (NM_001195573.1, NM_001271282.3, NM_001291628.2 and 1 more transcripts); short protein forms P618S.
Identifiers: ClinVar variation 820159 (VCV000820159.17), dbSNP rs1595406211, ClinGen allele CA390883989.
Genomic context (GRCh38, chr14:95,115,722, plus strand): 5'-CATACCTATTGATGTGTCCAATGGCCGTGTTGATTGTGACTCGTGGACCACCATCGTCAG[G>A]CCTCAACACATATGGTGGGAAAACGTCATCATCATCCATGACAGGATCAATGTCAGTCTC-3'
Protein context (NP_803187.1, residues 608-628): DDVFPPYVLR[Pro618Ser]DDGGPRVTIN

ClinVar aggregate classification (germline): Uncertain significance. Review status: criteria provided, multiple submitters, no conflicts (2 of 4 stars). 4 submissions from 4 submitters: Uncertain significance (4). Last evaluated 2025-12-03.

Conditions:
DICER1-related tumor predisposition. Also called: DICER1 syndrome; DICER1-related pleuropulmonary blastoma cancer predisposition syndrome. Identifiers: Orphanet 284343, MedGen C3839822, MONDO:0100216.
Hereditary cancer-predisposing syndrome. Also called: Hereditary Cancer Syndrome; Neoplastic Syndromes, Hereditary; Tumor predisposition; Hereditary neoplastic syndrome. Identifiers: Orphanet 140162, MedGen C0027672, MeSH D009386, MONDO:0015356.

Allele frequency attached by ClinVar (database versions not stated): gnomAD 0.00001; gnomAD exomes below 0.00001; TOPMed 0.00001.
gnomAD v4.1: 4 of 1,613,970 alleles (0.00025%); highest among the groups gnomAD compares: Admixed American, 0.0033%; no homozygotes.

Submissions (4):

Dasa
Classification: Uncertain significance for DICER1-related tumor predisposition. Last evaluated: 2025-12-03. Review status: criteria provided, single submitter. Criteria: DASA Assertion Criteria. Collection method: clinical testing. Allele origin: germline.
Comment: NM_177438.3(DICER1):c.1852C>T (p.Pro618Ser) is a missense variant that results in the substitution of proline with serine. This variant is rare in population databases. Computational prediction algorithms are consistent with a benign effect. The currently available literature and clinical evidence are not sufficient to establish a definitive association between this variant and the reported condition. Therefore, this variant is classified as a variant of uncertain significance.

Labcorp Genetics (formerly Invitae), Labcorp
Classification: Uncertain significance for DICER1-related tumor predisposition. Last evaluated: 2025-12-03. Review status: criteria provided, single submitter. Criteria: Invitae Variant Classification Sherloc (09022015). Collection method: clinical testing. Allele origin: germline.
Comment: This sequence change replaces proline, which is neutral and non-polar, with serine, which is neutral and polar, at codon 618 of the DICER1 protein (p.Pro618Ser). This variant is not present in population databases (gnomAD no frequency). This variant has not been reported in the literature in individuals affected with DICER1-related conditions. ClinVar contains an entry for this variant (Variation ID: 820159). Invitae Evidence Modeling of protein sequence and biophysical properties (such as structural, functional, and spatial information, amino acid conservation, physicochemical variation, residue mobility, and thermodynamic stability) indicates that this missense variant is not expected to disrupt DICER1 protein function with a negative predictive value of 95%. In summary, the available evidence is currently insufficient to determine the role of this variant in disease. Therefore, it has been classified as a Variant of Uncertain Significance.

Hereditary Cancer Group, L’Institut d'Investigació Biomèdica de Bellvitge
Classification: Uncertain significance for Hereditary cancer-predisposing syndrome. Last evaluated: 2024-12-19. Review status: criteria provided, single submitter. Criteria: Hatton et al. (Hum Mutat. 2023). Collection method: clinical testing. Allele origin: germline. Inheritance: Autosomal dominant inheritance. Affected: yes.
Comment: BP4

Ambry Genetics
Classification: Uncertain significance for Hereditary cancer-predisposing syndrome. Last evaluated: 2024-03-25. Review status: criteria provided, single submitter. Criteria: Ambry Variant Classification Scheme 2023. Collection method: clinical testing. Allele origin: germline.
Comment: The p.P618S variant (also known as c.1852C>T), located in coding exon 10 of the DICER1 gene, results from a C to T substitution at nucleotide position 1852. The proline at codon 618 is replaced by serine, an amino acid with similar properties. This amino acid position is not well conserved in available vertebrate species. In addition, this alteration is predicted to be tolerated by in silico analysis. Since supporting evidence is limited at this time, the clinical significance of this alteration remains unclear.